The following is an entry in ClinVar:

ClinVar aggregate classification (germline): Uncertain significance (1 of 4 stars; one submission).

Allele frequency attached by ClinVar (database versions not stated): gnomAD exomes below 0.00001.
gnomAD v4.1: 1 of 1,556,736 alleles (0.000064%); highest among the groups gnomAD compares: Non-Finnish European, 0.000087%; no homozygotes.

Submission:

Labcorp Genetics (formerly Invitae), Labcorp
Classification: Uncertain significance. Last evaluated: 2022-07-27. Review status: criteria provided, single submitter. Criteria: Invitae Variant Classification Sherloc (09022015). Collection method: clinical testing. Allele origin: germline.
Comment: This sequence change replaces threonine, which is neutral and polar, with isoleucine, which is neutral and non-polar, at codon 397 of the CSF1R protein (p.Thr397Ile). This variant is not present in population databases (gnomAD no frequency). This variant has not been reported in the literature in individuals affected with CSF1R-related conditions. Advanced modeling of protein sequence and biophysical properties (such as structural, functional, and spatial information, amino acid conservation, physicochemical variation, residue mobility, and thermodynamic stability) performed at Invitae indicates that this missense variant is not expected to disrupt CSF1R protein function. In summary, the available evidence is currently insufficient to determine the role of this variant in disease. Therefore, it has been classified as a Variant of Uncertain Significance.

NM_001288705.3(CSF1R):c.1190C>T (p.Thr397Ile)

Gene: CSF1R (colony stimulating factor 1 receptor; minus strand). Cytogenetic location: 5q32.
Variant type: single nucleotide variant.
Coding change: c.1190C>T on transcript NM_001288705.3 (MANE Select); coding-DNA position 1190, C replaced by T.
Protein change: p.Thr397Ile; replaces threonine 397 with isoleucine.
Molecular consequence: missense variant. On other transcripts: non-coding transcript variant (2).
Genome position (GRCh38, 1-based): chr5:150,070,464, G>A on the plus strand (C>T on the coding strand, the complement: CSF1R is on the minus strand). VCF-style: chr5-150070464-G-A. GRCh37 (hg19) VCF-style: chr5-149450027-G-A.
Other names: c.1190C>T, p.Thr397Ile (NM_001349736.2, NM_001375320.1, NM_005211.4); c.746C>T, p.Thr249Ile (NM_001375321.1); short protein forms T249I, T397I.
Identifiers: ClinVar variation 1957306 (VCV001957306.5), dbSNP rs2481013883, ClinGen allele CA361721839.